The following is an entry in ClinVar:

ClinVar aggregate classification (germline): Conflicting classifications of pathogenicity. Review status: criteria provided, conflicting classifications (1 of 4 stars). 4 submissions from 4 submitters: Uncertain significance (2); Likely benign (2). Last evaluated 2026-01-22.

Conditions:
AIPL1-related disorder. Also called: AIPL1-related disorders; AIPL1-related condition. Identifiers: MedGen CN239169.
Leber congenital amaurosis 4 (LCA4). Identifiers: MedGen C1858386, MONDO:0011458, OMIM 604393.

Allele frequency attached by ClinVar (database versions not stated): gnomAD 0.00005 and 0.00006; gnomAD exomes 0.00006 and 0.00019; TOPMed 0.00009; ExAC 0.00020.
gnomAD v4.1: 101 of 1,614,226 alleles (0.0063%); highest among the groups gnomAD compares: East Asian, 0.18%; no homozygotes.

Submissions (4):

Labcorp Genetics (formerly Invitae), Labcorp
Classification: Likely benign for Leber congenital amaurosis 4. Last evaluated: 2026-01-22. Review status: criteria provided, single submitter. Criteria: Invitae Variant Classification Sherloc (09022015). Collection method: clinical testing. Allele origin: germline.

PreventionGenetics, part of Exact Sciences
Classification: Likely benign for AIPL1-related condition. Last evaluated: 2024-12-18. Review status: criteria provided, single submitter. Criteria: ACMG Guidelines, 2015. Collection method: clinical testing. Allele origin: germline.
Comment: This variant is classified as likely benign based on ACMG/AMP sequence variant interpretation guidelines (Richards et al. 2015 PMID: 25741868, with internal and published modifications).

Blueprint Genetics
Classification: Uncertain significance. Last evaluated: 2024-01-04. Review status: criteria provided, single submitter. Criteria: ACMG Guidelines, 2015. Collection method: clinical testing. Allele origin: germline.

Illumina Laboratory Services, Illumina
Classification: Uncertain significance for Leber congenital amaurosis 4. Last evaluated: 2018-01-13. Review status: criteria provided, single submitter. Criteria: ICSL Variant Classification Criteria 13 December 2019. Collection method: clinical testing. Allele origin: germline.

NM_014336.5(AIPL1):c.616A>G (p.Ile206Val)

Gene: AIPL1 (AIP like 1 HSP90 co-chaperone; minus strand). Cytogenetic location: 17p13.2.
Variant type: single nucleotide variant.
Coding change: c.616A>G on transcript NM_014336.5 (MANE Select); coding-DNA position 616, A replaced by G.
Protein change: p.Ile206Val; replaces isoleucine 206 with valine.
Molecular consequence: missense variant.
Genome position (GRCh38, 1-based): chr17:6,426,907, T>C on the plus strand (A>G on the coding strand, the complement: AIPL1 is on the minus strand). VCF-style: chr17-6426907-T-C. GRCh37 (hg19) VCF-style: chr17-6330227-T-C.
Other names: c.427A>G, p.Ile143Val (NM_001033054.3); c.436A>G, p.Ile146Val (NM_001033055.3); c.580A>G, p.Ile194Val (NM_001285399.3); c.550A>G, p.Ile184Val (NM_001285400.3); c.616A>G, p.Ile206Val (NM_001285401.3); c.499A>G, p.Ile167Val (NM_001285402.2); c.592A>G, p.Ile198Val (NM_001285403.4); c.616A>G (NM_014336.4); short protein forms I206V, I143V, I184V, I194V, I198V, I146V, I167V.
Identifiers: ClinVar variation 324617 (VCV000324617.17), dbSNP rs772911646, ClinGen allele CA8328457.